The following continues an entry in ClinVar:

NM_000465.4(BARD1):c.2116A>G (p.Lys706Glu)

Gene: BARD1. ClinVar aggregate classification (germline): Conflicting classifications of pathogenicity. Uncertain significance (11); Likely benign (3).

Submissions 10 to 15 of 15:

Sema4
Classification: Uncertain significance for Hereditary cancer-predisposing syndrome. Last evaluated: 2021-12-16. Review status: criteria provided, single submitter. Criteria: Sema4 Curation Guidelines. Collection method: curation. Allele origin: germline.
Comment: The BARD1 c.2116A>G (p.K706E) variant has been reported in heterozygosity in at least 7 individuals with breast, ovarian, endometrial, prostate, and colorectal cancers (PMID: 25186627, 26315354, 27443514, 32268276, 33118316, 29596542, among others) and has also been reported in healthy controls from an ovarian cancer study (PMID: 26315354). It has been reported in a large case-control study of breast cancer in 9/60466 cases and 6/53461 controls (PMID: 33471991). This variant was observed in 26/129080 chromosomes in the Non-Finnish European subpopulation, with 0 homozygotes, in the large and broad cohorts of the Genome Aggregation Database (PMID: 32461654). This variant has been reported in ClinVar (Variation ID 127730). In silico tools suggest the impact of the variant on protein function is benign, though these predictions have not been confirmed by functional studies. The evidence is insufficient to meet ACMG/AMP criteria for classifying the variant as benign or pathogenic. Thus, the clinical significance of this variant is currently uncertain.

GeneDx
Classification: Uncertain significance. Last evaluated: 2021-05-21. Review status: criteria provided, single submitter. Criteria: GeneDx Variant Classification Process June 2021. Collection method: clinical testing. Allele origin: germline. Affected: yes.
Comment: In silico analysis supports that this missense variant does not alter protein structure/function; This variant is associated with the following publications: (PMID: 26315354, 27443514, 25230021, 29596542, 25186627, 33875564)

Ambry Genetics
Classification: Likely benign for Hereditary cancer-predisposing syndrome. Last evaluated: 2018-09-21. Review status: criteria provided, single submitter. Criteria: Ambry Variant Classification Scheme 2023. Collection method: clinical testing. Allele origin: germline.

Fulgent Genetics
Classification: Uncertain significance for Familial cancer of breast. Last evaluated: 2017-05-23. Review status: criteria provided, single submitter. Criteria: ACMG Guidelines, 2015. Collection method: clinical testing. Allele origin: unknown.

Color Diagnostics, LLC DBA Color Health
Classification: Likely benign for Hereditary cancer-predisposing syndrome. Last evaluated: 2016-05-16. Review status: criteria provided, single submitter. Criteria: ACMG Guidelines, 2015. Collection method: clinical testing. Allele origin: germline.

Department of Pathology and Laboratory Medicine, Sinai Health System
Classification: Uncertain significance for Malignant tumor of breast. Review status: no assertion criteria provided. Collection method: clinical testing. Allele origin: unknown. Affected: yes. Observed: 1 variant allele. Study: The Canadian Open Genetics Repository (COGR). Not counted in ClinVar's aggregate classification.
Comment: The BARD1 p.Lys706Glu variant was identified in 3 of 7234 proband chromosomes (frequency: 0.0004) from individuals or families with epithelial ovarian cancer or endometrial carcinoma and was present in 1 of 6862 control chromosomes (frequency: 0.0002) from healthy individuals (Ramus 2015, Ring 2016). The variant was identified in dbSNP (ID: rs149262370) as "With Uncertain significance allele", ClinVar (classified as uncertain significance by Invitae, GeneDx, Ambry Genetics and two clinical laboratories), MutDB, and in Zhejiang University databases (1x). The variant was identified in control databases in 26 of 277080 chromosomes at a frequency of 0.00009 (Genome Aggregation Database Feb 27, 2017). The variant was observed in the following populations: African in 1 of 24032 chromosomes (freq: 0.00004), European in 25 of 126608 chromosomes (freq: 0.0002), while the variant was not observed in the Other, Latino, Ashkenazi Jewish, East Asian, Finnish, or South Asian populations. The p.Lys706 residue is conserved in mammals and computational analyses (PolyPhen-2, SIFT, AlignGVGD, BLOSUM, MutationTaster) provide inconsistent predictions regarding the impact to the protein; this information is not very predictive of pathogenicity. The variant occurs outside of the splicing consensus sequence and in silico or computational prediction software programs (SpliceSiteFinder, MaxEntScan, NNSPLICE, GeneSplicer) do not predict a difference in splicing. In summary, based on the above information the clinical significance of this variant cannot be determined with certainty at this time. This variant is classified as a variant of uncertain significance.

Literature cited by the submitters: PubMed 26315354 (cited by 5 submitters); PubMed 27443514 (cited by 5 submitters); PubMed 29596542 (cited by Labcorp Genetics (formerly Invitae), Labcorp and Sema4); PubMed 32268276 (cited by Labcorp Genetics (formerly Invitae), Labcorp and Sema4); PubMed 33118316 (cited by 3 submitters); PubMed 25186627 (cited by 3 submitters); PubMed 34326862 (cited by Women's Health and Genetics/Laboratory Corporation of America, LabCorp and Quest Diagnostics Nichols Institute San Juan Capistrano); PubMed 33471991 (cited by Quest Diagnostics Nichols Institute San Juan Capistrano and Sema4); PubMed 25085752 (cited by Myriad Genetics, Inc.).